The following is an entry in ClinVar:

ClinVar aggregate classification (germline): Uncertain significance (1 of 4 stars; one submission).

Conditions:
Hereditary sensory neuropathy-deafness-dementia syndrome. Also called: HSN IE; NEUROPATHY, HEREDITARY SENSORY, WITH HEARING LOSS AND DEMENTIA; Hereditary Sensory and Autonomic Neuropathy Type 1E (HSAN1E); Hereditary sensory neuropathy type IE. Identifiers: Orphanet 456318, MedGen C3279885, MONDO:0013584, OMIM 614116.

Submission:

Labcorp Genetics (formerly Invitae), Labcorp
Classification: Uncertain significance for Hereditary sensory neuropathy-deafness-dementia syndrome. Last evaluated: 2022-10-19. Review status: criteria provided, single submitter. Criteria: Invitae Variant Classification Sherloc (09022015). Collection method: clinical testing. Allele origin: germline.
Comment: This sequence change falls in intron 37 of the DNMT1 gene. It does not directly change the encoded amino acid sequence of the DNMT1 protein. This variant is not present in population databases (gnomAD no frequency). This variant has not been reported in the literature in individuals affected with DNMT1-related conditions. Algorithms developed to predict the effect of sequence changes on RNA splicing suggest that this variant may disrupt the consensus splice site. In summary, the available evidence is currently insufficient to determine the role of this variant in disease. Therefore, it has been classified as a Variant of Uncertain Significance.

NM_001130823.3(DNMT1):c.4489+15T>C

Gene: DNMT1 (DNA methyltransferase 1; minus strand). Cytogenetic location: 19p13.2.
Variant type: single nucleotide variant.
Coding change: c.4489+15T>C on transcript NM_001130823.3 (MANE Select); 15 bases into the intron after coding-DNA position 4489, T replaced by C.
Molecular consequence: intron variant.
Genome position (GRCh38, 1-based): chr19:10,137,070, A>G on the plus strand (T>C on the coding strand, the complement: DNMT1 is on the minus strand). VCF-style: chr19-10137070-A-G. GRCh37 (hg19) VCF-style: chr19-10247746-A-G.
Other names: c.4126+15T>C (NM_001318731.2); c.4441+15T>C (NM_001379.4); c.4450+6T>C (NM_001318730.2).
Identifiers: ClinVar variation 2036107 (VCV002036107.4), dbSNP rs2513769325, ClinGen allele CA2580096166.